The following is an entry in ClinVar:

ClinVar aggregate classification (germline): Benign (1 of 4 stars; one submission).

Allele frequency attached by ClinVar (database versions not stated): gnomAD exomes 0.77138; ExAC 0.79382; ESP Exome Variant Server 0.80071; TOPMed 0.80348; gnomAD 0.80438; 1000 Genomes Project 0.81310; 1000 Genomes Project 30x 0.81355.
gnomAD v4.1: 1,203,601 of 1,554,888 alleles (77%); highest among the groups gnomAD compares: East Asian, 92%; 468,813 homozygotes.

Submission:

Unidad de Genómica Garrahan, Hospital de Pediatría Garrahan
Classification: Benign. Last evaluated: 2024-01-24. Review status: criteria provided, single submitter. Criteria: ACMG Guidelines, 2015. Collection method: clinical testing. Allele origin: germline. Affected: no. Observed: 83 variant alleles.
Comment: This variant is classified as Benign based on local population frequency. This variant was detected in 87% of patients studied by a panel of primary immunodeficiencies. Number of patients: 83. Only high quality variants are reported.

NM_003265.3(TLR3):c.2486+50T>C

Gene: TLR3 (toll like receptor 3; plus strand). Cytogenetic location: 4q35.1.
Variant type: single nucleotide variant.
Coding change: c.2486+50T>C on transcript NM_003265.3 (MANE Select); 50 bases into the intron after coding-DNA position 2486, T replaced by C.
Molecular consequence: intron variant.
Genome position (GRCh38, 1-based): chr4:186,084,222, T>C. VCF-style: chr4-186084222-T-C. GRCh37 (hg19) VCF-style: chr4-187005376-T-C.
Identifiers: ClinVar variation 2687958 (VCV002687958.2), dbSNP rs6830345, ClinGen allele CA3161584.